The following is an entry in ClinVar:

NM_004369.4(COL6A3):c.2632G>A (p.Ala878Thr)

Gene: COL6A3 (collagen type VI alpha 3 chain; minus strand). Cytogenetic location: 2q37.3.
Variant type: single nucleotide variant.
Coding change: c.2632G>A on transcript NM_004369.4 (MANE Select); coding-DNA position 2632, G replaced by A.
Protein change: p.Ala878Thr; replaces alanine 878 with threonine.
Molecular consequence: missense variant.
Genome position (GRCh38, 1-based): chr2:237,377,210, C>T on the plus strand (G>A on the coding strand, the complement: COL6A3 is on the minus strand). VCF-style: chr2-237377210-C-T. GRCh37 (hg19) VCF-style: chr2-238285853-C-T.
Other names: c.1411G>A, p.Ala471Thr (NM_057164.5); c.2014G>A, p.Ala672Thr (NM_057165.5, NM_057167.4); c.811G>A, p.Ala271Thr (NM_057166.5); short protein forms A672T, A878T, A271T, A471T.
Identifiers: ClinVar variation 4760792 (VCV004760792.1).

ClinVar aggregate classification (germline): Uncertain significance (1 of 4 stars; one submission).

Conditions:
Bethlem myopathy 1A. Also called: Bethlem myopathy 1; Bethlem Muscular Dystrophy; MYOPATHY, BENIGN CONGENITAL, WITH CONTRACTURES. Identifiers: Orphanet 610, MedGen CN029274, MONDO:0024530, OMIM 158810.

gnomAD v4.1: 2 of 1,613,834 alleles (0.00012%); highest among the groups gnomAD compares: African/African-American, 0.0027%; no homozygotes.

Submission:

Labcorp Genetics (formerly Invitae), Labcorp
Classification: Uncertain significance for Bethlem myopathy 1A. Last evaluated: 2025-12-11. Review status: criteria provided, single submitter. Criteria: Invitae Variant Classification Sherloc (09022015). Collection method: clinical testing. Allele origin: germline.
Comment: This sequence change replaces alanine, which is neutral and non-polar, with threonine, which is neutral and polar, at codon 878 of the COL6A3 protein (p.Ala878Thr). This variant is present in population databases (no rsID available, gnomAD 0.007%). This variant has not been reported in the literature in individuals affected with COL6A3-related conditions. Invitae Evidence Modeling of protein sequence and biophysical properties (such as structural, functional, and spatial information, amino acid conservation, physicochemical variation, residue mobility, and thermodynamic stability) indicates that this missense variant is expected to disrupt COL6A3 protein function with a positive predictive value of 80%. In summary, the available evidence is currently insufficient to determine the role of this variant in disease. Therefore, it has been classified as a Variant of Uncertain Significance.